The following is an entry in ClinVar:

NM_001696.4(ATP6V1E1):c.382C>G (p.Leu128Val)

Gene: ATP6V1E1 (ATPase H+ transporting V1 subunit E1; minus strand). Cytogenetic location: 22q11.21.
Variant type: single nucleotide variant.
Coding change: c.382C>G on transcript NM_001696.4 (MANE Select); coding-DNA position 382, C replaced by G.
Protein change: p.Leu128Val; replaces leucine 128 with valine.
Molecular consequence: missense variant.
Genome position (GRCh38, 1-based): chr22:17,600,080, G>C on the plus strand (C>G on the coding strand, the complement: ATP6V1E1 is on the minus strand). VCF-style: chr22-17600080-G-C. GRCh37 (hg19) VCF-style: chr22-18082846-G-C.
Other names: c.316C>G, p.Leu106Val (NM_001039366.1); c.292C>G, p.Leu98Val (NM_001039367.1); short protein forms L106V, L128V, L98V.
Identifiers: ClinVar variation 1254864 (VCV001254864.21), dbSNP rs201700749, ClinGen allele CA10090121.

ClinVar aggregate classification (germline): Uncertain significance. Review status: criteria provided, multiple submitters, no conflicts (2 of 4 stars). 4 submissions from 4 submitters: Uncertain significance (4). Last evaluated 2026-01-23.

Allele frequency attached by ClinVar (database versions not stated): gnomAD 0.00005 and 0.00006; TOPMed 0.00007; gnomAD exomes 0.00014; ExAC 0.00017.
gnomAD v4.1: 112 of 1,613,686 alleles (0.0069%); highest among the groups gnomAD compares: Non-Finnish European, 0.0075%; no homozygotes.

Submissions (4):

Labcorp Genetics (formerly Invitae), Labcorp
Classification: Uncertain significance. Last evaluated: 2026-01-23. Review status: criteria provided, single submitter. Criteria: Invitae Variant Classification Sherloc (09022015). Collection method: clinical testing. Allele origin: germline.
Comment: This sequence change replaces leucine, which is neutral and non-polar, with valine, which is neutral and non-polar, at codon 128 of the ATP6V1E1 protein (p.Leu128Val). This variant is present in population databases (rs201700749, gnomAD 0.07%). This variant has not been reported in the literature in individuals affected with ATP6V1E1-related conditions. ClinVar contains an entry for this variant (Variation ID: 1254864). An algorithm developed to predict the effect of missense changes on protein structure and function (PolyPhen-2) suggests that this variant is likely to be disruptive. In summary, the available evidence is currently insufficient to determine the role of this variant in disease. Therefore, it has been classified as a Variant of Uncertain Significance.

CeGaT Center for Human Genetics Tuebingen
Classification: Uncertain significance. Last evaluated: 2026-01-01. Review status: criteria provided, single submitter. Criteria: CeGaT Center For Human Genetics Tuebingen Variant Classification Criteria Version 2. Collection method: clinical testing. Allele origin: germline. Affected: yes. Observed: 2 variant alleles.
Comment: ATP6V1E1: PM2, PM5

Ambry Genetics
Classification: Uncertain significance. Last evaluated: 2025-12-16. Review status: criteria provided, single submitter. Criteria: Ambry Variant Classification Scheme 2023. Collection method: clinical testing. Allele origin: germline.

GeneDx
Classification: Uncertain significance. Last evaluated: 2021-02-02. Review status: criteria provided, single submitter. Criteria: GeneDx Variant Classification Process June 2021. Collection method: clinical testing. Allele origin: germline. Affected: yes.
Comment: In silico analysis supports that this missense variant does not alter protein structure/function; Has not been previously published as pathogenic or benign to our knowledge